The following is an entry in ClinVar:

ClinVar aggregate classification (germline): Uncertain significance. Review status: criteria provided, multiple submitters, no conflicts (2 of 4 stars). 2 submissions from 2 submitters: Uncertain significance (2). Last evaluated 2025-11-12.

gnomAD v4.1: 21 of 1,611,660 alleles (0.0013%); highest among the groups gnomAD compares: Admixed American, 0.005%; no homozygotes.

Submissions (2):

Labcorp Genetics (formerly Invitae), Labcorp
Classification: Uncertain significance. Last evaluated: 2025-11-12. Review status: criteria provided, single submitter. Criteria: Invitae Variant Classification Sherloc (09022015). Collection method: clinical testing. Allele origin: germline.
Comment: This sequence change replaces isoleucine, which is neutral and non-polar, with valine, which is neutral and non-polar, at codon 591 of the CCDC88A protein (p.Ile591Val). This variant is present in population databases (rs559089439, gnomAD 0.007%). This variant has not been reported in the literature in individuals affected with CCDC88A-related conditions. ClinVar contains an entry for this variant (Variation ID: 3487059). An algorithm developed to predict the effect of missense changes on protein structure and function (PolyPhen-2) suggests that this variant is likely to be tolerated. In summary, the available evidence is currently insufficient to determine the role of this variant in disease. Therefore, it has been classified as a Variant of Uncertain Significance.

Ambry Genetics
Classification: Uncertain significance. Last evaluated: 2024-12-02. Review status: criteria provided, single submitter. Criteria: Ambry Variant Classification Scheme 2023. Collection method: clinical testing. Allele origin: germline.

NM_001365480.1(CCDC88A):c.1771A>G (p.Ile591Val)

Gene: CCDC88A (coiled-coil and HOOK domain protein 88A; minus strand). Cytogenetic location: 2p16.1.
Variant type: single nucleotide variant.
Coding change: c.1771A>G on transcript NM_001365480.1 (MANE Select); coding-DNA position 1771, A replaced by G.
Protein change: p.Ile591Val; replaces isoleucine 591 with valine.
Molecular consequence: missense variant.
Genome position (GRCh38, 1-based): chr2:55,335,050, T>C on the plus strand (A>G on the coding strand, the complement: CCDC88A is on the minus strand). VCF-style: chr2-55335050-T-C. GRCh37 (hg19) VCF-style: chr2-55562186-T-C.
Other names: c.1771A>G, p.Ile591Val (NM_001135597.2, NM_001254943.2, NM_018084.5); short protein forms I591V.
Identifiers: ClinVar variation 3487059 (VCV003487059.2).
Genomic context (GRCh38, chr2:55,335,050, plus strand): 5'-TTTTTTCAAATTCAATCTTGCTTAGCTTGCTACTTGTTTCTTTGATAGATTCATGAAGAA[T>C]TTTGTTTTCTTTTTCAATGTCTTTCACTCTTGCTTCTGCACTTATCTGGGACCGCTGCCT-3'
Protein context (NP_001352409.1, residues 581-601): RVKDIEKENK[Ile591Val]LHESIKETSS